The following is an entry in ClinVar:

NM_001127178.3(PIGG):c.286C>G (p.Leu96Val)

Gene: PIGG (phosphatidylinositol glycan anchor biosynthesis class G (EMM blood group); plus strand). Cytogenetic location: 4p16.3.
Variant type: single nucleotide variant.
Coding change: c.286C>G on transcript NM_001127178.3 (MANE Select); coding-DNA position 286, C replaced by G.
Protein change: p.Leu96Val; replaces leucine 96 with valine.
Molecular consequence: missense variant. On other transcripts: 5 prime UTR variant (5), non-coding transcript variant (10).
Genome position (GRCh38, 1-based): chr4:500,527, C>G. VCF-style: chr4-500527-C-G. GRCh37 (hg19) VCF-style: chr4-494316-C-G.
Other names: c.19C>G, p.Leu7Val (NM_001289051.2, NM_001289053.2, NM_001289057.2 and 2 more transcripts); c.286C>G, p.Leu96Val (NM_001289052.2, NM_001345989.2, NM_017733.5); c.-151C>G (NM_001289055.2); c.-602C>G (NM_001345988.2); c.-1340C>G (NM_001345990.2); c.-1202C>G (NM_001345991.2); c.-927C>G (NM_001345994.2); short protein forms L96V, L7V.
Identifiers: ClinVar variation 2135940 (VCV002135940.4), dbSNP rs1257961366, ClinGen allele CA355891494.
Genomic context (GRCh38, chr4:500,527, plus strand): 5'-TTGAGAGATGATTTTGTGTTTGGGTCAAAGGGTGTGAAATTTATGCCCTACACAACTTAC[C>G]TTGTGGAAAAAGGAGCATCTCACAGTTTTGTGGCTGAAGCAAAGCCACCTACAGTTACTA-3'
Protein context (NP_001120650.1, residues 86-106): GVKFMPYTTY[Leu96Val]VEKGASHSFV

ClinVar aggregate classification (germline): Uncertain significance (1 of 4 stars; one submission).

Conditions:
Intellectual disability, autosomal recessive 53 (NEDHSCA). Also called: GLYCOSYLPHOSPHATIDYLINOSITOL BIOSYNTHESIS DEFECT 13; Mental retardation, autosomal recessive 53; NEURODEVELOPMENTAL DISORDER WITH OR WITHOUT HYPOTONIA, SEIZURES, AND CEREBELLAR ATROPHY. Identifiers: Orphanet 488635, MedGen C4310794, MONDO:0014832, OMIM 616917.

Submission:

Labcorp Genetics (formerly Invitae), Labcorp
Classification: Uncertain significance for Intellectual disability, autosomal recessive 53. Last evaluated: 2022-08-25. Review status: criteria provided, single submitter. Criteria: Invitae Variant Classification Sherloc (09022015). Collection method: clinical testing. Allele origin: germline.
Comment: This sequence change replaces leucine, which is neutral and non-polar, with valine, which is neutral and non-polar, at codon 96 of the PIGG protein (p.Leu96Val). This variant is not present in population databases (gnomAD no frequency). This variant has not been reported in the literature in individuals affected with PIGG-related conditions. Algorithms developed to predict the effect of missense changes on protein structure and function (SIFT, PolyPhen-2, Align-GVGD) all suggest that this variant is likely to be tolerated. In summary, the available evidence is currently insufficient to determine the role of this variant in disease. Therefore, it has been classified as a Variant of Uncertain Significance.